The following is an entry in ClinVar:

NC_000017.10:g.(?_59857612)_(59857772_?)del

Gene: BRIP1 (BRCA1 interacting DNA helicase 1; minus strand). Cytogenetic location: 17q23.2.
Variant type: Deletion.
Identifiers: ClinVar variation 1445137 (VCV001445137.6).

ClinVar aggregate classification (germline): Pathogenic (1 of 4 stars; one submission).

Conditions:
Familial cancer of breast. Also called: BREAST CANCER, FAMILIAL; Hereditary breast cancer; hereditary breast carcinoma. Identifiers: Orphanet 227535, MedGen C0346153, MONDO:0016419, OMIM 114480. Disease mechanism: loss of function.
Fanconi anemia complementation group J. Also called: BRIP1-Related Fanconi Anemia. Identifiers: Orphanet 84, MedGen C1836860, MONDO:0012187, OMIM 609054.

Submission:

Labcorp Genetics (formerly Invitae), Labcorp
Classification: Pathogenic for Familial cancer of breast; Fanconi anemia complementation group J. Last evaluated: 2023-04-17. Review status: criteria provided, single submitter. Criteria: Invitae Variant Classification Sherloc (09022015). Collection method: clinical testing. Allele origin: germline.
Comment: For these reasons, this variant has been classified as Pathogenic. This variant disrupts a region of the BRIP1 protein in which other variant(s) (p.Glu626Asp) have been determined to be pathogenic (PMID: 23285130, 26637282). This suggests that this is a clinically significant region of the protein, and that variants that disrupt it are likely to be disease-causing. This variant has not been reported in the literature in individuals affected with BRIP1-related conditions. This variant is a gross deletion of the genomic region encompassing exon(s) 13 of the BRIP1 gene. This variant would be expected to be in-frame, preserving the integrity of the reading frame.

Literature cited by the submitters: PubMed 23285130; PubMed 26637282.